The following is an entry in ClinVar:

NM_007194.4(CHEK2):c.1613T>C (p.Val538Ala)

Gene: CHEK2 (checkpoint kinase 2; minus strand). Cytogenetic location: 22q12.1.
Variant type: single nucleotide variant.
Coding change: c.1613T>C on transcript NM_007194.4 (MANE Select); coding-DNA position 1613, T replaced by C.
Protein change: p.Val538Ala; replaces valine 538 with alanine.
Molecular consequence: missense variant.
Genome position (GRCh38, 1-based): chr22:28,687,916, A>G on the plus strand (T>C on the coding strand, the complement: CHEK2 is on the minus strand). VCF-style: chr22-28687916-A-G. GRCh37 (hg19) VCF-style: chr22-29083904-A-G.
Other names: c.1742T>C, p.Val581Ala (NM_001005735.3); c.950T>C, p.Val317Ala (NM_001257387.3, NM_001437942.1); c.1412T>C, p.Val471Ala (NM_001349956.3); c.1706T>C, p.Val569Ala (NM_001438293.1); c.1655T>C, p.Val552Ala (NM_001438294.1); c.1619T>C, p.Val540Ala (NM_001438295.1); c.1526T>C, p.Val509Ala (NM_145862.3); short protein forms V317A, V471A, V509A, V538A, V540A, V552A, V569A, V581A.
Identifiers: ClinVar variation 4868926 (VCV004868926.1).

ClinVar aggregate classification (germline): Uncertain significance (1 of 4 stars; one submission).

Conditions:
Hereditary cancer-predisposing syndrome. Also called: Neoplastic Syndromes, Hereditary; Tumor predisposition; Hereditary Cancer Syndrome; Hereditary neoplastic syndrome. Identifiers: Orphanet 140162, MedGen C0027672, MeSH D009386, MONDO:0015356.

gnomAD v4.1: 1 of 1,596,384 alleles (0.000063%); highest among the groups gnomAD compares: Admixed American, 0.0017%; no homozygotes.

Submission:

Ambry Genetics
Classification: Uncertain significance for Hereditary cancer-predisposing syndrome. Last evaluated: 2026-04-11. Review status: criteria provided, single submitter. Criteria: Ambry Variant Classification Scheme 2023. Collection method: clinical testing. Allele origin: germline.
Comment: The p.V538A variant (also known as c.1613T>C), located in coding exon 14 of the CHEK2 gene, results from a T to C substitution at nucleotide position 1613. The valine at codon 538 is replaced by alanine, an amino acid with similar properties. This amino acid position is conserved. In addition, this alteration is predicted to be tolerated by in silico analysis. Based on the available evidence, the clinical significance of this variant remains unclear.